The following is an entry in ClinVar:

ClinVar aggregate classification (germline): Conflicting classifications of pathogenicity. Review status: criteria provided, conflicting classifications (1 of 4 stars). 2 submissions from 2 submitters: Uncertain significance (1); Likely benign (1). Last evaluated 2023-03-23.

Conditions:
Hereditary cancer-predisposing syndrome. Also called: Neoplastic Syndromes, Hereditary; Hereditary neoplastic syndrome; Hereditary Cancer Syndrome; Tumor predisposition. Identifiers: Orphanet 140162, MedGen C0027672, MeSH D009386, MONDO:0015356.

Submissions (2):

University of Washington Department of Laboratory Medicine, University of Washington
Classification: Likely benign for Hereditary cancer-predisposing syndrome. Last evaluated: 2023-03-23. Review status: criteria provided, single submitter. Criteria: Dines et al. (Genet Med. 2020). Collection method: curation. Allele origin: germline.
Comment: Missense variant in a coldspot region where missense variants are very unlikely to be pathogenic (PMID:31911673).

BRCA1 coldspot (exon 11 using historical exon numbering). Reclassification based on statistical prior probability

Women's Health and Genetics/Laboratory Corporation of America, LabCorp
Classification: Uncertain significance. Last evaluated: 2023-01-30. Review status: criteria provided, single submitter. Criteria: LabCorp Variant Classification Summary - May 2015. Collection method: clinical testing. Allele origin: germline.
Comment: Variant summary: BRCA1 c.3982T>C (p.Ser1328Pro) results in a non-conservative amino acid change in the encoded protein sequence. Four of five in-silico tools predict a benign effect of the variant on protein function. The variant was absent in 251272 control chromosomes (gnomAD). The available data on variant occurrences in the general population are insufficient to allow any conclusion about variant significance. To our knowledge, no occurrence of c.3982T>C in individuals affected with BRCA1-associated cancers and no experimental evidence demonstrating its impact on protein function have been reported. No clinical diagnostic laboratories have submitted clinical-significance assessments for this variant to ClinVar after 2014. Based on the evidence outlined above, the variant was classified as uncertain significance.

NM_007294.4(BRCA1):c.3982T>C (p.Ser1328Pro)

Genes: BRCA1 (BRCA1 DNA repair associated; minus strand), LOC126862571 (BRD4-independent group 4 enhancer GRCh37_chr17:41243136-41244335; plus strand). Cytogenetic location: 17q21.31.
Variant type: single nucleotide variant.
Coding change: c.3982T>C on transcript NM_007294.4 (MANE Select); coding-DNA position 3982, T replaced by C.
Protein change: p.Ser1328Pro; replaces serine 1328 with proline.
Molecular consequence: missense variant. On other transcripts: intron variant (135).
Genome position (GRCh38, 1-based): chr17:43,091,549, A>G on the plus strand (T>C on the coding strand, the complement: BRCA1 is on the minus strand). VCF-style: chr17-43091549-A-G. GRCh37 (hg19) VCF-style: chr17-41243566-A-G.
Other names: c.671-517T>C (NM_001408418.1, NM_001408423.1, NM_001408420.1 and 2 more transcripts); c.788-517T>C (NM_001407981.1, NM_007298.4, NM_001407978.1 and 17 more transcripts); c.644-517T>C (NM_001408462.1, NM_001408470.1, NM_001408464.1 and 3 more transcripts); c.710-517T>C (NM_001408414.1, NM_001408411.1, NM_001408415.1 and 2 more transcripts); c.578-517T>C (NM_001408514.1, NM_001408485.1, NM_001408483.1 and 9 more transcripts); c.662-517T>C (NM_001408447.1, NM_001408433.1, NM_001408446.1 and 6 more transcripts); c.785-517T>C (NM_001408400.1, NM_001408392.1, NM_001407986.1 and 13 more transcripts); c.665-517T>C (NM_001408441.1, NM_001408437.1, NM_001408442.1 and 12 more transcripts); and 41 more; short protein forms S1032P, S1160P, S1200P, S1201P, S1216P, S1217P, S1239P, S1240P.
Identifiers: ClinVar variation 2429231 (VCV002429231.10), dbSNP rs2154271277, ClinGen allele CA10594000.